The following is an entry in ClinVar:

ClinVar aggregate classification (germline): Uncertain significance. Review status: criteria provided, multiple submitters, no conflicts (2 of 4 stars). 2 submissions from 2 submitters: Uncertain significance (2). Last evaluated 2026-04-16.

Conditions:
Inborn genetic diseases. Identifiers: MedGen C0950123, MeSH D030342.
Neuropathy, hereditary motor and sensory, type 6B (HMSN6B). Also called: HMSN VIB; CHARCOT-MARIE-TOOTH DISEASE, TYPE 6B; Neuropathy, hereditary motor and sensory, type VIB; NEUROPATHY, HEREDITARY MOTOR AND SENSORY, TYPE VIB, WITH OPTIC ATROPHY. Identifiers: MedGen C4225302, MONDO:0014671, OMIM 616505.

Allele frequency attached by ClinVar (database versions not stated): TOPMed below 0.00001; gnomAD 0.00001; gnomAD exomes below 0.00001.
gnomAD v4.1: 4 of 1,613,632 alleles (0.00025%); highest among the groups gnomAD compares: Non-Finnish European, 0.00034%; no homozygotes.

Submissions (2):

Ambry Genetics
Classification: Uncertain significance for Inborn genetic diseases. Last evaluated: 2026-04-16. Review status: criteria provided, single submitter. Criteria: Ambry Variant Classification Scheme 2023. Collection method: clinical testing. Allele origin: germline.

Labcorp Genetics (formerly Invitae), Labcorp
Classification: Uncertain significance for Neuropathy, hereditary motor and sensory, type 6B. Last evaluated: 2021-01-12. Review status: criteria provided, single submitter. Criteria: Invitae Variant Classification Sherloc (09022015). Collection method: clinical testing. Allele origin: germline.
Comment: In summary, the available evidence is currently insufficient to determine the role of this variant in disease. Therefore, it has been classified as a Variant of Uncertain Significance. Algorithms developed to predict the effect of missense changes on protein structure and function (SIFT, PolyPhen-2, Align-GVGD) all suggest that this variant is likely to be disruptive, but these predictions have not been confirmed by published functional studies and their clinical significance is uncertain. This variant has not been reported in the literature in individuals with SLC25A46-related conditions. This variant is not present in population databases (ExAC no frequency). This sequence change replaces arginine with cysteine at codon 347 of the SLC25A46 protein (p.Arg347Cys). The arginine residue is highly conserved and there is a large physicochemical difference between arginine and cysteine.

NM_138773.4(SLC25A46):c.1039C>T (p.Arg347Cys)

Gene: SLC25A46 (solute carrier family 25 member 46; plus strand). Cytogenetic location: 5q22.1.
Variant type: single nucleotide variant.
Coding change: c.1039C>T on transcript NM_138773.4 (MANE Select); coding-DNA position 1039, C replaced by T.
Protein change: p.Arg347Cys; replaces arginine 347 with cysteine.
Molecular consequence: missense variant. On other transcripts: non-coding transcript variant (1).
Genome position (GRCh38, 1-based): chr5:110,761,564, C>T. VCF-style: chr5-110761564-C-T. GRCh37 (hg19) VCF-style: chr5-110097264-C-T.
Other names: c.796C>T, p.Arg266Cys (NM_001303249.3); c.766C>T, p.Arg256Cys (NM_001303250.3); short protein forms R347C, R256C, R266C.
Identifiers: ClinVar variation 1470045 (VCV001470045.9), dbSNP rs1800252146, ClinGen allele CA360696889.